The following is an entry in ClinVar:

NM_181486.4(TBX5):c.130del (p.Ala44fs)

Gene: TBX5 (T-box transcription factor 5; minus strand). Cytogenetic location: 12q24.21.
Variant type: Deletion.
Coding change: c.130del on transcript NM_181486.4 (MANE Select); coding-DNA position 130, one base deleted (G; older notation c.130delG).
Protein change: p.Ala44fs; shifts the reading frame from alanine 44.
Molecular consequence: frameshift variant. On other transcripts: intron variant (1).
Genome position (GRCh38, 1-based): chr12:114,403,769, C deleted on the plus strand (G on the coding strand, the reverse complement: TBX5 is on the minus strand); the first of 2 consecutive C bases (chr12:114,403,769-114,403,770); deleting either gives the same sequence. VCF-style (leftmost placement, unchanged base first): chr12-114403768-GC-G. GRCh37 (hg19) VCF-style: chr12-114841573-GC-G.
Other names: c.130del, p.Ala44fs (NM_000192.3); c.-3-1849del (NM_080717.4); short protein forms A44fs.
Identifiers: ClinVar variation 3906402 (VCV003906402.1).

ClinVar aggregate classification (germline): Pathogenic (1 of 4 stars; one submission).

Submission:

GeneDx
Classification: Pathogenic. Last evaluated: 2024-12-20. Review status: criteria provided, single submitter. Criteria: GeneDx Variant Classification Process June 2021. Collection method: clinical testing. Allele origin: germline. Affected: yes.
Comment: Frameshift variant predicted to result in protein truncation or nonsense mediated decay in a gene for which loss of function is a known mechanism of disease; Not observed at significant frequency in large population cohorts (gnomAD); Has not been previously published as pathogenic or benign to our knowledge